The following is an entry in ClinVar:

ClinVar aggregate classification (germline): Benign. Review status: criteria provided, multiple submitters, no conflicts (2 of 4 stars). 4 submissions from 4 submitters: Benign (3). 1 of the submissions does not count toward it. Last evaluated 2026-01-23.

Conditions:
Dihydropyrimidinase deficiency (DPYSD). Also called: DPH DEFICIENCY; DPYS DEFICIENCY; dihydropyrimidinuria. Identifiers: Orphanet 38874, MedGen C0342803, MONDO:0009111, OMIM 222748.

Allele frequency attached by ClinVar (database versions not stated): 1000 Genomes Project 30x 0.00437; 1000 Genomes Project 0.00459; gnomAD 0.00736 and 0.00748; TOPMed 0.00755; ESP Exome Variant Server 0.00915; gnomAD exomes 0.01009 and 0.01109; ExAC 0.01053.
gnomAD v4.1: 17,294 of 1,614,194 alleles (1.1%); highest among the groups gnomAD compares: South Asian, 1.9%; 123 homozygotes.

Submissions (4):

Labcorp Genetics (formerly Invitae), Labcorp
Classification: Benign. Last evaluated: 2026-01-23. Review status: criteria provided, single submitter. Criteria: Invitae Variant Classification Sherloc (09022015). Collection method: clinical testing. Allele origin: germline.

Illumina Laboratory Services, Illumina
Classification: Benign for Dihydropyrimidinase deficiency. Last evaluated: 2018-01-12. Review status: criteria provided, single submitter. Criteria: ICSL Variant Classification Criteria 13 December 2019. Collection method: clinical testing. Allele origin: germline.
Comment: This variant was observed in the ICSL laboratory as part of a predisposition screen in an ostensibly healthy population. It had not been previously curated by ICSL or reported in the Human Gene Mutation Database (HGMD: prior to June 1st, 2018), and was therefore a candidate for classification through an automated scoring system. Utilizing variant allele frequency, disease prevalence and penetrance estimates, and inheritance mode, an automated score was calculated to assess if this variant is too frequent to cause the disease. Based on the score and internal cut-off values, a variant classified as benign is not then subjected to further curation. The score for this variant resulted in a classification of benign for this disease.

Breakthrough Genomics
Classification: Benign. Review status: criteria provided, single submitter. Criteria: ACMG Guidelines, 2015. Collection method: not provided. Allele origin: germline. Inheritance: Autosomal recessive inheritance. Affected: yes.

Diasio Lab,  Mayo Clinic
No classification provided. Review status: no classification provided. Collection method: not provided. Allele origin: unknown. Not counted in ClinVar's aggregate classification.

NM_001385.3(DPYS):c.1029C>G (p.Thr343=)

Gene: DPYS (dihydropyrimidinase; minus strand). Cytogenetic location: 8q22.3.
Variant type: single nucleotide variant.
Coding change: c.1029C>G on transcript NM_001385.3 (MANE Select); coding-DNA position 1029, C replaced by G.
Protein change: p.Thr343=; no amino-acid change (threonine 343 retained).
Molecular consequence: synonymous variant.
Genome position (GRCh38, 1-based): chr8:104,428,043, G>C on the plus strand (C>G on the coding strand, the complement: DPYS is on the minus strand). VCF-style: chr8-104428043-G-C. GRCh37 (hg19) VCF-style: chr8-105440271-G-C.
Identifiers: ClinVar variation 100139 (VCV000100139.14), dbSNP rs117104587, ClinGen allele CA228211.